The following is an entry in ClinVar:

NM_000168.6(GLI3):c.*2859G>A

Gene: GLI3 (GLI family zinc finger 3; minus strand). Cytogenetic location: 7p14.1.
Variant type: single nucleotide variant.
Coding change: c.*2859G>A on transcript NM_000168.6 (MANE Select); 2859 bases downstream of the stop codon, G replaced by A.
Molecular consequence: 3 prime UTR variant.
Genome position (GRCh38, 1-based): chr7:41,961,471, C>T on the plus strand (G>A on the coding strand, the complement: GLI3 is on the minus strand). VCF-style: chr7-41961471-C-T. GRCh37 (hg19) VCF-style: chr7-42001069-C-T.
Identifiers: ClinVar variation 2657407 (VCV002657407.24), dbSNP rs553265449, ClinGen allele CA156898419.

ClinVar aggregate classification (germline): Benign (1 of 4 stars; one submission).

Allele frequency attached by ClinVar (database versions not stated): 1000 Genomes Project 30x 0.00016; 1000 Genomes Project 0.00020; TOPMed 0.00054.

Submission:

CeGaT Center for Human Genetics Tuebingen
Classification: Benign. Last evaluated: 2022-09-01. Review status: criteria provided, single submitter. Criteria: CeGaT Center For Human Genetics Tuebingen Variant Classification Criteria Version 2. Collection method: clinical testing. Allele origin: germline. Affected: yes. Observed: 1 variant allele.
Comment: GLI3: BS1, BS2